The following is an entry in ClinVar:

NM_002878.4(RAD51D):c.630G>C (p.Ala210=)

Genes: RAD51D (RAD51 paralog D; minus strand), RAD51L3-RFFL (RAD51L3-RFFL readthrough; minus strand). Cytogenetic location: 17q12.
Variant type: single nucleotide variant.
Coding change: c.630G>C on transcript NM_002878.4 (MANE Select); coding-DNA position 630, G replaced by C.
Protein change: p.Ala210=; no amino-acid change (alanine 210 retained).
Molecular consequence: synonymous variant. On other transcripts: non-coding transcript variant (3).
Genome position (GRCh38, 1-based): chr17:35,103,491, C>G on the plus strand (G>C on the coding strand, the complement: RAD51D is on the minus strand). VCF-style: chr17-35103491-C-G. GRCh37 (hg19) VCF-style: chr17-33430510-C-G.
Other names: c.690G>C, p.Ala230= (NM_001142571.2); c.294G>C, p.Ala98= (NM_133629.3).
Identifiers: ClinVar variation 762119 (VCV000762119.12), dbSNP rs762585552, ClinGen allele CA8499400.

ClinVar aggregate classification (germline): Benign/Likely benign. Review status: criteria provided, multiple submitters, no conflicts (2 of 4 stars). 4 submissions from 4 submitters: Benign (1); Likely benign (3). Last evaluated 2025-11-05.

Conditions:
Hereditary cancer-predisposing syndrome. Also called: Tumor predisposition; Neoplastic Syndromes, Hereditary; Hereditary Cancer Syndrome; Hereditary neoplastic syndrome. Identifiers: Orphanet 140162, MedGen C0027672, MeSH D009386, MONDO:0015356.
Breast-ovarian cancer, familial, susceptibility to, 4. Identifiers: Orphanet 145, MedGen C3280345, MONDO:0013669, OMIM 614291.

gnomAD v4.1: 2 of 1,614,186 alleles (0.00012%); highest among the groups gnomAD compares: African/African-American, 0.0013%; no homozygotes.

Submissions (4):

Labcorp Genetics (formerly Invitae), Labcorp
Classification: Likely benign for Breast-ovarian cancer, familial, susceptibility to, 4. Last evaluated: 2025-11-05. Review status: criteria provided, single submitter. Criteria: Invitae Variant Classification Sherloc (09022015). Collection method: clinical testing. Allele origin: germline.

Myriad Genetics, Inc.
Classification: Benign for Breast-ovarian cancer, familial, susceptibility to, 4. Last evaluated: 2025-02-24. Review status: criteria provided, single submitter. Criteria: Myriad Autosomal Dominant, Autosomal Recessive and X-Linked Classification Criteria (2023). Collection method: clinical testing. Allele origin: unknown.
Comment: This variant is considered benign. This variant is a silent/synonymous amino acid change and it is not expected to impact splicing.

Color Diagnostics, LLC DBA Color Health
Classification: Likely benign for Hereditary cancer-predisposing syndrome. Last evaluated: 2023-02-17. Review status: criteria provided, single submitter. Criteria: ACMG Guidelines, 2015. Collection method: clinical testing. Allele origin: germline.

Ambry Genetics
Classification: Likely benign for Hereditary cancer-predisposing syndrome. Last evaluated: 2017-11-02. Review status: criteria provided, single submitter. Criteria: Ambry Variant Classification Scheme 2023. Collection method: clinical testing. Allele origin: germline.